The following is an entry in ClinVar:

ClinVar aggregate classification (germline): Pathogenic (1 of 4 stars; one submission).

Conditions:
Lipoic acid synthetase deficiency. Also called: HYPERGLYCINEMIA, LACTIC ACIDOSIS, AND SEIZURES. Identifiers: Orphanet 401859, MedGen C3280887, MONDO:0013762, OMIM 614462.

Submission:

Labcorp Genetics (formerly Invitae), Labcorp
Classification: Pathogenic for Lipoic acid synthetase deficiency. Last evaluated: 2023-03-02. Review status: criteria provided, single submitter. Criteria: Invitae Variant Classification Sherloc (09022015). Collection method: clinical testing. Allele origin: germline.
Comment: Algorithms developed to predict the effect of sequence changes on RNA splicing suggest that this variant may disrupt the consensus splice site. This variant has not been reported in the literature in individuals affected with LIAS-related conditions. This variant is not present in population databases (gnomAD no frequency). This sequence change creates a premature translational stop signal (p.Lys94*) in the LIAS gene. It is expected to result in an absent or disrupted protein product. Loss-of-function variants in LIAS are known to be pathogenic (PMID: 24334290, 27923773). For these reasons, this variant has been classified as Pathogenic.

Literature cited by the submitters: PubMed 24334290; PubMed 27923773.

NM_006859.4(LIAS):c.280A>T (p.Lys94Ter)

Gene: LIAS (lipoic acid synthetase; plus strand). Cytogenetic location: 4p14.
Variant type: single nucleotide variant.
Coding change: c.280A>T on transcript NM_006859.4 (MANE Select); coding-DNA position 280, A replaced by T.
Protein change: p.Lys94Ter; replaces lysine 94 with a stop codon.
Molecular consequence: nonsense. On other transcripts: intron variant (2).
Genome position (GRCh38, 1-based): chr4:39,462,257, A>T. VCF-style: chr4-39462257-A-T. GRCh37 (hg19) VCF-style: chr4-39463877-A-T.
Other names: c.280A>T, p.Lys94Ter (NM_194451.3, NM_001278590.2, NM_001278591.2); c.219-1268A>T (NM_001363700.2, NM_001278592.2); short protein forms K94*.
Identifiers: ClinVar variation 2838766 (VCV002838766.3), dbSNP rs758718496, ClinGen allele CA356664067.
Genomic context (GRCh38, chr4:39,462,257, plus strand): 5'-TTAAGACTACCTCCATGGCTAAAGACAGAGATTCCCATGGGGAAAAATTACAATAAACTG[A>T]AAAATACTTTGCGGAATTTAAATCTCCATACAGTAAGTTGTCAAAGTGTAAACTATCCCT-3'